The following is an entry in ClinVar:

ClinVar aggregate classification (germline): Uncertain significance (1 of 4 stars; one submission).

Conditions:
Cardiovascular phenotype. Identifiers: MedGen CN230736.

Submission:

Ambry Genetics
Classification: Uncertain significance for Cardiovascular phenotype. Last evaluated: 2025-06-16. Review status: criteria provided, single submitter. Criteria: Ambry Variant Classification Scheme 2023. Collection method: clinical testing. Allele origin: germline.
Comment: The p.G1784S variant (also known as c.5350G>A), located in coding exon 38 of the LAMA4 gene, results from a G to A substitution at nucleotide position 5350. The glycine at codon 1784 is replaced by serine, an amino acid with similar properties. This amino acid position is conserved. In addition, this alteration is predicted to be deleterious by in silico analysis. Based on the available evidence, the clinical significance of this variant remains unclear.

NM_001105206.3(LAMA4):c.5371G>A (p.Gly1791Ser)

Gene: LAMA4 (laminin subunit alpha 4; minus strand). Cytogenetic location: 6q21.
Variant type: single nucleotide variant.
Coding change: c.5371G>A on transcript NM_001105206.3 (MANE Select); coding-DNA position 5371, G replaced by A.
Protein change: p.Gly1791Ser; replaces glycine 1791 with serine.
Molecular consequence: missense variant.
Genome position (GRCh38, 1-based): chr6:112,109,538, C>T on the plus strand (G>A on the coding strand, the complement: LAMA4 is on the minus strand). VCF-style: chr6-112109538-C-T. GRCh37 (hg19) VCF-style: chr6-112430741-C-T.
Other names: c.5350G>A, p.Gly1784Ser (NM_001105207.3, NM_002290.5); short protein forms G1784S, G1791S.
Identifiers: ClinVar variation 4096202 (VCV004096202.1).
Genomic context (GRCh38, chr6:112,109,538, plus strand): 5'-CCAGGGCTGCTTTACTGAAGCTCACTGGGTGTCCATCAATCACAAAGTGGCGTATGCAGC[C>T]TGTGAAGGGTTTGCTGGGGGCCAAGCGTGGTGTCAGTAGAGATTCTGAAAAGAGCAAGAA-3'
Protein context (NP_001098676.2, residues 1781-1801): PRLAPSKPFT[Gly1791Ser]CIRHFVIDGH